The following is an entry in ClinVar:

ClinVar aggregate classification (germline): Uncertain significance (0 of 4 stars; one submission).

Conditions:
TBX3-related disorder. Also called: TBX3-related condition.

Submission:

PreventionGenetics, part of Exact Sciences
Classification: Uncertain significance for TBX3-related condition. Last evaluated: 2023-10-27. Review status: no assertion criteria provided. Collection method: clinical testing. Allele origin: germline.
Comment: The TBX3 c.793T>C variant is predicted to result in the amino acid substitution p.Tyr265His. To our knowledge, this variant has not been reported in the literature or in a large population database, indicating this variant is rare. At this time, the clinical significance of this variant is uncertain due to the absence of conclusive functional and genetic evidence.

NM_005996.4(TBX3):c.733T>C (p.Tyr245His)

Gene: TBX3 (T-box transcription factor 3; minus strand). Cytogenetic location: 12q24.21.
Variant type: single nucleotide variant.
Coding change: c.733T>C on transcript NM_005996.4 (MANE Select); coding-DNA position 733, T replaced by C.
Protein change: p.Tyr245His; replaces tyrosine 245 with histidine.
Molecular consequence: missense variant.
Genome position (GRCh38, 1-based): chr12:114,679,576, A>G on the plus strand (T>C on the coding strand, the complement: TBX3 is on the minus strand). VCF-style: chr12-114679576-A-G. GRCh37 (hg19) VCF-style: chr12-115117381-A-G.
Other names: c.793T>C, p.Tyr265His (NM_016569.4); short protein forms Y245H, Y265H.
Identifiers: ClinVar variation 3356392 (VCV003356392.1).